The following is an entry in ClinVar:

ClinVar aggregate classification (germline): Pathogenic (1 of 4 stars; one submission).

Conditions:
Congenital myasthenic syndrome 5. Identifiers: Orphanet 590, MedGen C1864233, MONDO:0011281, OMIM 603034.

Allele frequency attached by ClinVar (database versions not stated): gnomAD exomes below 0.00001; TOPMed 0.00001; gnomAD 0.00002 and 0.00003.

Submission:

Labcorp Genetics (formerly Invitae), Labcorp
Classification: Pathogenic for Congenital myasthenic syndrome 5. Last evaluated: 2022-05-10. Review status: criteria provided, single submitter. Criteria: Invitae Variant Classification Sherloc (09022015). Collection method: clinical testing. Allele origin: germline.
Comment: For these reasons, this variant has been classified as Pathogenic. Algorithms developed to predict the effect of sequence changes on RNA splicing suggest that this variant may disrupt the consensus splice site. This variant has not been reported in the literature in individuals affected with COLQ-related conditions. This variant is not present in population databases (gnomAD no frequency). This sequence change creates a premature translational stop signal (p.Asn335Lysfs*24) in the COLQ gene. It is expected to result in an absent or disrupted protein product. Loss-of-function variants in COLQ are known to be pathogenic (PMID: 22678886).

Literature cited by the submitters: PubMed 22678886.

NM_005677.4(COLQ):c.1005_1008del (p.Asn335fs)

Gene: COLQ (collagen like tail subunit of asymmetric acetylcholinesterase; minus strand). Cytogenetic location: 3p25.1.
Variant type: Deletion.
Coding change: c.1005_1008del on transcript NM_005677.4 (MANE Select); coding-DNA positions 1005 to 1008, 4 bases deleted (CGCC; older notation c.1005_1008delCGCC).
Protein change: p.Asn335fs; shifts the reading frame from asparagine 335.
Molecular consequence: frameshift variant.
Genome position (GRCh38, 1-based): chr3:15,456,526-15,456,529, GGCG deleted on the plus strand (CGCC on the coding strand, the reverse complement: COLQ is on the minus strand). VCF-style (leftmost placement, unchanged base first): chr3-15456525-TGGCG-T. GRCh37 (hg19) VCF-style: chr3-15498032-TGGCG-T.
Other names: c.975_978del, p.Asn325fs (NM_080538.2); c.903_906del, p.Asn301fs (NM_080539.4); short protein forms N325fs, N335fs, N301fs.
Identifiers: ClinVar variation 1356041 (VCV001356041.6), dbSNP rs1311078034, ClinGen allele CA901004598.
Genomic context (GRCh38, chr3:15,456,525, plus strand): 5'-TGGGGAGCCAGCCAAGGCTGTCCTTGAAGTACAGAGATCTCTGGTCTCTGCGGAAGGCAA[TGGCG>T]TTTTGGGTGTTCAGCCTCTCAAGCTCCTCCTGGTTGTTGACCACAAAAATCTGCCAGAGA-3'